The following is an entry in ClinVar:

NM_003240.5(LEFTY2):c.169G>A (p.Val57Met)

Gene: LEFTY2 (left-right determination factor 2; minus strand). Cytogenetic location: 1q42.12.
Variant type: single nucleotide variant.
Coding change: c.169G>A on transcript NM_003240.5 (MANE Select); coding-DNA position 169, G replaced by A.
Protein change: p.Val57Met; replaces valine 57 with methionine.
Molecular consequence: missense variant.
Genome position (GRCh38, 1-based): chr1:225,940,972, C>T on the plus strand (G>A on the coding strand, the complement: LEFTY2 is on the minus strand). VCF-style: chr1-225940972-C-T. GRCh37 (hg19) VCF-style: chr1-226128672-C-T.
Other names: c.169G>A, p.Val57Met (NM_001172425.3); short protein forms V57M.
Identifiers: ClinVar variation 259005 (VCV000259005.19), dbSNP rs115510690, ClinGen allele CA1420682.

ClinVar aggregate classification (germline): Benign/Likely benign. Review status: criteria provided, multiple submitters, no conflicts (2 of 4 stars). 5 submissions from 5 submitters: Benign (3); Likely benign (2). Last evaluated 2026-01-13.

Conditions:
Left-right axis malformations. Identifiers: MedGen C1866091.

Allele frequency attached by ClinVar (database versions not stated): gnomAD exomes 0.00044; ExAC 0.00051; ESP Exome Variant Server 0.00131; gnomAD 0.00141 and 0.00148; TOPMed 0.00166; 1000 Genomes Project 0.00180; 1000 Genomes Project 30x 0.00203.
gnomAD v4.1: 445 of 1,613,720 alleles (0.028%); highest among the groups gnomAD compares: African/African-American, 0.47%; 3 homozygotes.

Submissions (5):

Labcorp Genetics (formerly Invitae), Labcorp
Classification: Benign for Left-right axis malformations. Last evaluated: 2026-01-13. Review status: criteria provided, single submitter. Criteria: Invitae Variant Classification Sherloc (09022015). Collection method: clinical testing. Allele origin: germline.

Blueprint Genetics
Classification: Likely benign. Last evaluated: 2023-09-20. Review status: criteria provided, single submitter. Criteria: ACMG Guidelines, 2015. Collection method: clinical testing. Allele origin: germline.

Illumina Laboratory Services, Illumina
Classification: Benign for Left-right axis malformations. Last evaluated: 2018-01-12. Review status: criteria provided, single submitter. Criteria: ICSL Variant Classification Criteria 13 December 2019. Collection method: clinical testing. Allele origin: germline.
Comment: This variant was observed in the ICSL laboratory as part of a predisposition screen in an ostensibly healthy population. It had not been previously curated by ICSL or reported in the Human Gene Mutation Database (HGMD: prior to June 1st, 2018), and was therefore a candidate for classification through an automated scoring system. Utilizing variant allele frequency, disease prevalence and penetrance estimates, and inheritance mode, an automated score was calculated to assess if this variant is too frequent to cause the disease. Based on the score and internal cut-off values, a variant classified as benign is not then subjected to further curation. The score for this variant resulted in a classification of benign for this disease.

GeneDx
Classification: Benign. Last evaluated: 2015-03-03. Review status: criteria provided, single submitter. Criteria: GeneDx Variant Classification Process June 2021. Collection method: clinical testing. Allele origin: germline. Affected: yes.

PreventionGenetics, part of Exact Sciences
Classification: Likely benign. Review status: criteria provided, single submitter. Criteria: ACMG Guidelines, 2015. Collection method: clinical testing. Allele origin: germline.